The following is an entry in ClinVar:

NM_004130.4(GYG1):c.1009T>A (p.Ser337Thr)

Gene: GYG1 (glycogenin 1; plus strand). Cytogenetic location: 3q24.
Variant type: single nucleotide variant.
Coding change: c.1009T>A on transcript NM_004130.4 (MANE Select); coding-DNA position 1009, T replaced by A.
Protein change: p.Ser337Thr; replaces serine 337 with threonine.
Molecular consequence: missense variant. On other transcripts: synonymous variant (1).
Genome position (GRCh38, 1-based): chr3:149,026,889, T>A. VCF-style: chr3-149026889-T-A. GRCh37 (hg19) VCF-style: chr3-148744676-T-A.
Other names: c.958T>A, p.Ser320Thr (NM_001184720.2); c.738T>A, p.Ile246= (NM_001184721.2); c.1009T>A (NM_004130.3); short protein forms S320T, S337T.
Identifiers: ClinVar variation 1518870 (VCV001518870.7), dbSNP rs542123045, ClinGen allele CA2658734.

ClinVar aggregate classification (germline): Uncertain significance. Review status: criteria provided, multiple submitters, no conflicts (2 of 4 stars). 2 submissions from 2 submitters: Uncertain significance (2). Last evaluated 2026-03-07.

Conditions:
Glycogen storage disease XV (GSD15). Also called: GLYCOGENIN DEFICIENCY; GSD XV. Identifiers: Orphanet 263297, MedGen C3150754, MONDO:0013291, OMIM 613507.
Polyglucosan body myopathy type 2. Identifiers: Orphanet 456369, MedGen C4015452, MONDO:0014526, OMIM 616199.

Allele frequency attached by ClinVar (database versions not stated): ExAC 0.00002; gnomAD exomes 0.00002; TOPMed 0.00003; gnomAD 0.00004; 1000 Genomes Project 30x 0.00016; 1000 Genomes Project 0.00020.
gnomAD v4.1: 34 of 1,613,874 alleles (0.0021%); highest among the groups gnomAD compares: South Asian, 0.0066%; no homozygotes.

Submissions (2):

GeneDx
Classification: Uncertain significance. Last evaluated: 2026-03-07. Review status: criteria provided, single submitter. Criteria: GeneDx Variant Classification Process June 2021. Collection method: clinical testing. Allele origin: germline.
Comment: Not observed at significant frequency in large population cohorts (gnomAD); In silico analysis suggests that this missense variant does not alter protein structure/function; Has not been previously published as pathogenic or benign to our knowledge

Labcorp Genetics (formerly Invitae), Labcorp
Classification: Uncertain significance for Polyglucosan body myopathy type 2; Glycogen storage disease XV. Last evaluated: 2021-10-04. Review status: criteria provided, single submitter. Criteria: Invitae Variant Classification Sherloc (09022015). Collection method: clinical testing. Allele origin: germline.
Comment: This sequence change replaces serine with threonine at codon 337 of the GYG1 protein (p.Ser337Thr). The serine residue is moderately conserved and there is a small physicochemical difference between serine and threonine. In summary, the available evidence is currently insufficient to determine the role of this variant in disease. Therefore, it has been classified as a Variant of Uncertain Significance. Algorithms developed to predict the effect of missense changes on protein structure and function are either unavailable or do not agree on the potential impact of this missense change (SIFT: "Deleterious"; PolyPhen-2: "Benign"; Align-GVGD: "Class C0"). This variant has not been reported in the literature in individuals affected with GYG1-related conditions. This variant is present in population databases (rs542123045, ExAC 0.009%).